The following is an entry in ClinVar:

NM_152263.4(TPM3):c.589G>A (p.Glu197Lys)

Gene: TPM3 (tropomyosin 3; minus strand). Cytogenetic location: 1q21.3.
Variant type: single nucleotide variant.
Coding change: c.589G>A on transcript NM_152263.4 (MANE Select); coding-DNA position 589, G replaced by A.
Protein change: p.Glu197Lys; replaces glutamic acid 197 with lysine.
Molecular consequence: missense variant. On other transcripts: intron variant (8).
Genome position (GRCh38, 1-based): chr1:154,171,466, C>T on the plus strand (G>A on the coding strand, the complement: TPM3 is on the minus strand). VCF-style: chr1-154171466-C-T. GRCh37 (hg19) VCF-style: chr1-154143942-C-T.
Other names: c.531+563G>A (NM_001278189.2, NM_001364683.1, NM_001278190.2 and 2 more transcripts); c.642+563G>A (NM_001364682.1, NM_001364680.2); c.478G>A, p.Glu160Lys (NM_001043351.2, NM_001043353.2, NM_001349679.2); c.208G>A, p.Glu70Lys (NM_001278191.2); c.589G>A, p.Glu197Lys (NM_001364679.2, NM_001364681.2); c.333+563G>A (NM_001278188.2); short protein forms E160K, E197K, E70K.
Identifiers: ClinVar variation 5020816 (VCV005020816.1).

ClinVar aggregate classification (germline): Uncertain significance (1 of 4 stars; one submission).

gnomAD v4.1: 7 of 1,614,082 alleles (0.00043%); highest among the groups gnomAD compares: Admixed American, 0.0017%; no homozygotes.

Submission:

Dasa
Classification: Uncertain significance. Last evaluated: 2025-10-30. Review status: criteria provided, single submitter. Criteria: DASA Assertion Criteria. Collection method: clinical testing. Allele origin: germline.
Comment: NM_152263.4(TPM3):c.589G>A (p.Glu197Lys) is a missense variant that results in the substitution of glutamic acid with lysine. This variant is rare in population databases. Computational prediction algorithms are consistent with a deleterious effect. The currently available literature and clinical evidence are not sufficient to establish a definitive association between this variant and the reported condition. Therefore, this variant is classified as a variant of uncertain significance.